The following is an entry in ClinVar:

ClinVar aggregate classification (germline): Pathogenic. Review status: criteria provided, multiple submitters, no conflicts (2 of 4 stars). 3 submissions from 3 submitters: Pathogenic (3). Last evaluated 2025-11-26.

Conditions:
DDC-related disorder. Also called: DDC-related condition.
Inborn genetic diseases. Identifiers: MedGen C0950123, MeSH D030342.
Deficiency of aromatic-L-amino-acid decarboxylase. Also called: Aromatic L-Amino Acid Decarboxylase Deficiency; DDC DEFICIENCY; DOPA DECARBOXYLASE DEFICIENCY; AADC DEFICIENCY; Aromatic amino acid decarboxylase deficiency. Identifiers: Orphanet 35708, MedGen C1291564, MONDO:0012084, OMIM 608643.

Allele frequency attached by ClinVar (database versions not stated): ExAC 0.00002; TOPMed 0.00003; ESP Exome Variant Server 0.00008.

Submissions (3):

Labcorp Genetics (formerly Invitae), Labcorp
Classification: Pathogenic for Deficiency of aromatic-L-amino-acid decarboxylase. Last evaluated: 2025-11-26. Review status: criteria provided, single submitter. Criteria: Invitae Variant Classification Sherloc (09022015). Collection method: clinical testing. Allele origin: germline.
Comment: This sequence change creates a premature translational stop signal (p.Arg7*) in the DDC gene. It is expected to result in an absent or disrupted protein product. Loss-of-function variants in DDC are known to be pathogenic (PMID: 15079002, 24788355). This variant is present in population databases (rs138828136, gnomAD 0.002%). This premature translational stop signal has been observed in individual(s) with aromatic L-amino acid decarboxylase (AADC) deficiency (PMID: 17533144). ClinVar contains an entry for this variant (Variation ID: 1034300). For these reasons, this variant has been classified as Pathogenic.

Ambry Genetics
Classification: Pathogenic for Inborn genetic diseases. Last evaluated: 2025-11-19. Review status: criteria provided, single submitter. Criteria: Ambry Variant Classification Scheme 2023. Collection method: clinical testing. Allele origin: germline.
Comment: The c.19C>T (p.R7*) alteration, located in exon 2 (coding exon 1) of the DDC gene, consists of a C to T substitution at nucleotide position 19. This changes the amino acid from a arginine (R) to a stop codon at amino acid position 7. This alteration is expected to result in loss of function by premature protein truncation or nonsense-mediated mRNA decay. Based on data from gnomAD, the T allele has an overall frequency of <0.01% (2/251414) total alleles studied. The highest observed frequency was <0.01% (2/113706) of European (non-Finnish) alleles. This variant has been identified in the homozygous state and/or in conjunction with other DDC variant(s) in individual(s) with features consistent with aromatic L-amino acid decarboxylase deficiency (Pons, 2004; Hyland, 2020; Pearson, 2020; Pearson, 2021; Rossignoli, 2021). Based on the available evidence, this alteration is classified as pathogenic.

Blueprint Genetics
Classification: Pathogenic for DDC-related disorders. Last evaluated: 2022-03-31. Review status: criteria provided, single submitter. Criteria: ACMG Guidelines, 2015. Collection method: clinical testing. Allele origin: germline. Affected: yes. Observed: 1 variant allele.

Literature cited by the submitters: PubMed 15079002 (cited by Labcorp Genetics (formerly Invitae), Labcorp and Ambry Genetics); PubMed 24788355 (cited by Labcorp Genetics (formerly Invitae), Labcorp); PubMed 17533144 (cited by Labcorp Genetics (formerly Invitae), Labcorp); PubMed 32111562 (cited by Ambry Genetics); PubMed 32369189 (cited by Ambry Genetics); PubMed 33734312 (cited by Ambry Genetics); PubMed 34253733 (cited by Ambry Genetics).

NM_001082971.2(DDC):c.19C>T (p.Arg7Ter)

Gene: DDC (dopa decarboxylase; minus strand). Cytogenetic location: 7p12.1.
Variant type: single nucleotide variant.
Coding change: c.19C>T on transcript NM_001082971.2 (MANE Select); coding-DNA position 19, C replaced by T.
Protein change: p.Arg7Ter; replaces arginine 7 with a stop codon.
Molecular consequence: nonsense.
Genome position (GRCh38, 1-based): chr7:50,544,067, G>A on the plus strand (C>T on the coding strand, the complement: DDC is on the minus strand). VCF-style: chr7-50544067-G-A. GRCh37 (hg19) VCF-style: chr7-50611765-G-A.
Other names: c.19C>T, p.Arg7Ter (NM_000790.4, NM_001242886.2, NM_001242887.2 and 3 more transcripts); short protein forms R7*.
Identifiers: ClinVar variation 1034300 (VCV001034300.12), dbSNP rs138828136, ClinGen allele CA4262519.
Genomic context (GRCh38, chr7:50,544,067, plus strand): 5'-GTCCCTCAATGCCTTCCATGTAGTTGGCCATGTAATCCACCATCTCCTTCCCTCTCCTTC[G>A]GAATTCACTTGCGTTCATGGTGTCTGGGCTCTGTCAGAGGTGAAAACTGCAGAAAGAAAA-3'